The following is an entry in ClinVar:

ClinVar aggregate classification (germline): Uncertain significance (1 of 4 stars; one submission).

Conditions:
Spermatogenic failure 18. Identifiers: MedGen C4539783, MONDO:0054615, OMIM 617576.
Ciliary dyskinesia, primary, 37 (CILD37). Also called: CILIARY DYSKINESIA, PRIMARY, 37, WITH OR WITHOUT SITUS INVERSUS. Identifiers: MedGen C4539798, MONDO:0033204, OMIM 617577.

gnomAD v4.1: 1 of 1,613,718 alleles (0.000062%); highest among the groups gnomAD compares: Admixed American, 0.0017%; no homozygotes.

Submission:

Labcorp Genetics (formerly Invitae), Labcorp
Classification: Uncertain significance for Ciliary dyskinesia, primary, 37; Spermatogenic failure 18. Last evaluated: 2024-05-13. Review status: criteria provided, single submitter. Criteria: Invitae Variant Classification Sherloc (09022015). Collection method: clinical testing. Allele origin: germline.
Comment: This sequence change replaces lysine, which is basic and polar, with asparagine, which is neutral and polar, at codon 2821 of the DNAH1 protein (p.Lys2821Asn). This variant is not present in population databases (gnomAD no frequency). This variant has not been reported in the literature in individuals affected with DNAH1-related conditions. Advanced modeling of protein sequence and biophysical properties (such as structural, functional, and spatial information, amino acid conservation, physicochemical variation, residue mobility, and thermodynamic stability) has been performed at Invitae for this missense variant, however the output from this modeling did not meet the statistical confidence thresholds required to predict the impact of this variant on DNAH1 protein function. In summary, the available evidence is currently insufficient to determine the role of this variant in disease. Therefore, it has been classified as a Variant of Uncertain Significance.

NM_015512.5(DNAH1):c.8463G>C (p.Lys2821Asn)

Gene: DNAH1 (dynein axonemal heavy chain 1; plus strand). Cytogenetic location: 3p21.1.
Variant type: single nucleotide variant.
Coding change: c.8463G>C on transcript NM_015512.5 (MANE Select); coding-DNA position 8463, G replaced by C.
Protein change: p.Lys2821Asn; replaces lysine 2821 with asparagine.
Molecular consequence: missense variant.
Genome position (GRCh38, 1-based): chr3:52,384,926, G>C. VCF-style: chr3-52384926-G-C. GRCh37 (hg19) VCF-style: chr3-52418942-G-C.
Other names: short protein forms K2821N.
Identifiers: ClinVar variation 3751893 (VCV003751893.2).
Genomic context (GRCh38, chr3:52,384,926, plus strand): 5'-TGTGACCCCCAAGAGCTACTTGGAGCTGCTTCATATTTTCTCCATCCTCATCGGGCAGAA[G>C]AAACTGGAGCTGAAAACTGCCAAGAACCGCATGAAGAGCGGCCTCGACAAGGTGGGCCCA-3'
Protein context (NP_056327.4, residues 2811-2831): LHIFSILIGQ[Lys2821Asn]KLELKTAKNR